The following is an entry in ClinVar:

ClinVar aggregate classification (germline): Likely benign (1 of 4 stars; one submission).

Submission:

CeGaT Center for Human Genetics Tuebingen
Classification: Likely benign. Last evaluated: 2025-02-01. Review status: criteria provided, single submitter. Criteria: CeGaT Center For Human Genetics Tuebingen Variant Classification Criteria Version 2. Collection method: clinical testing. Allele origin: germline. Affected: yes. Observed: 1 variant allele.
Comment: ZNG1E: PM2:Supporting, BP4, BP7

NM_001330668.2(ZNG1E):c.402G>A (p.Leu134=)

Gene: ZNG1E (Zn regulated GTPase metalloprotein activator 1E; plus strand). Cytogenetic location: 9q21.11.
Variant type: single nucleotide variant.
Coding change: c.402G>A on transcript NM_001330668.2 (MANE Select); coding-DNA position 402, G replaced by A.
Protein change: p.Leu134=; no amino-acid change (leucine 134 retained).
Molecular consequence: synonymous variant. On other transcripts: 5 prime UTR variant (1).
Genome position (GRCh38, 1-based): chr9:65,682,829, G>A. VCF-style: chr9-65682829-G-A. GRCh37 (hg19) VCF-style: chr9-70483216-C-T.
Other names: c.402G>A, p.Leu134= (NM_001024916.4, NM_001363751.1, NM_001410971.1); c.-1364G>A (NM_001286835.2).
Identifiers: ClinVar variation 3771810 (VCV003771810.13).